The following is an entry in ClinVar:

ClinVar aggregate classification (germline): Likely pathogenic (0 of 4 stars; one submission).

Conditions:
Eichsfeld type congenital muscular dystrophy (CMYO3). Also called: MYOPATHY, SEPN1-RELATED; Rigid spine muscular dystrophy 1; SELENON-related myopathy; Congenital myopathy 3 with rigid spine. Identifiers: MedGen C0410180, MONDO:0100100, OMIM 602771.

Submission:

Hong-Tao Li Lab, Institute of Brain Science and Brain-inspired Research, Shandong First Medical University & Shandong Academy of Medical Sciences China
Classification: Likely pathogenic for Eichsfeld type congenital muscular dystrophy. Review status: no assertion criteria provided. Collection method: research. Allele origin: germline. Inheritance: Autosomal recessive inheritance. Affected: yes. Observed: 1 variant allele, 1 homozygote.
Comment: Observed in affected individuals from a Pakistani neurodevelopmental-disorder research cohort of 263 individuals. Classification assigned using the ACMG/AMP framework.

NM_206926.2(SELENON):c.228_229del (p.Ser77fs)

Gene: SELENON (selenoprotein N; plus strand). Cytogenetic location: 1p36.11.
Variant type: Deletion.
Coding change: c.228_229del on transcript NM_206926.2 (MANE Select); coding-DNA positions 228 to 229, 2 bases deleted (TT; older notation c.228_229delTT).
Protein change: p.Ser77fs; shifts the reading frame from serine 77.
Molecular consequence: frameshift variant.
Genome position (GRCh38, 1-based): chr1:25,801,087-25,801,088, TT deleted; deleting any 2 consecutive bases within chr1:25,801,085-25,801,088 gives the same sequence; the c. name uses the placement nearest the transcript's 3' end. VCF-style (leftmost placement, unchanged base first): chr1-25801084-CTT-C. GRCh37 (hg19) VCF-style: chr1-26127575-CTT-C.
Other names: c.228_229del, p.Ser77fs (NM_020451.3); short protein forms S77fs.
Identifiers: ClinVar variation 4884830 (VCV004884830.1).